The following is an entry in ClinVar:

NR_102427.1(CIB1):n.121C>T

Genes: CIB1 (calcium and integrin binding 1; minus strand), LOC130057908 (ATAC-STARR-seq lymphoblastoid silent region 6818; plus strand). Cytogenetic location: 15q26.1.
Variant type: single nucleotide variant.
Molecular consequence: non-coding transcript variant (on NR_102427.1).
Genome position: GRCh38 VCF-style: chr15-90234035-G-A. GRCh37 (hg19) VCF-style: chr15-90777267-G-A.
Identifiers: ClinVar variation 2688441 (VCV002688441.2), dbSNP rs8025979, ClinGen allele CA14124414.

ClinVar aggregate classification (germline): Benign (1 of 4 stars; one submission).

Allele frequency attached by ClinVar (database versions not stated): 1000 Genomes Project 0.29832; 1000 Genomes Project 30x 0.30091; gnomAD 0.36137; TOPMed 0.36384.
gnomAD v4.1: 330,783 of 897,370 alleles (37%); highest among the groups gnomAD compares: Middle Eastern, 42%; 63,668 homozygotes.

Submission:

Unidad de Genómica Garrahan, Hospital de Pediatría Garrahan
Classification: Benign. Last evaluated: 2024-01-24. Review status: criteria provided, single submitter. Criteria: ACMG Guidelines, 2015. Collection method: clinical testing. Allele origin: germline. Affected: no. Observed: 34 variant alleles.
Comment: This variant is classified as Benign based on local population frequency. This variant was detected in 39% of patients studied by a panel of primary immunodeficiencies. Number of patients: 34. Only high quality variants are reported.